The following is an entry in ClinVar:

NM_025179.4(PLXNA2):c.66A>G (p.Ser22=)

Gene: PLXNA2 (plexin A2; minus strand). Cytogenetic location: 1q32.2.
Variant type: single nucleotide variant.
Coding change: c.66A>G on transcript NM_025179.4 (MANE Select); coding-DNA position 66, A replaced by G.
Protein change: p.Ser22=; no amino-acid change (serine 22 retained).
Molecular consequence: synonymous variant.
Genome position (GRCh38, 1-based): chr1:208,217,857, T>C on the plus strand (A>G on the coding strand, the complement: PLXNA2 is on the minus strand). VCF-style: chr1-208217857-T-C. GRCh37 (hg19) VCF-style: chr1-208391202-T-C.
Identifiers: ClinVar variation 3354747 (VCV003354747.1).
Genomic context (GRCh38, chr1:208,217,857, plus strand): 5'-GTGGAAGGTGCTGAACTGAGGCATGCCGGCTGCTGGGGGGGCCAGCAGCACCCAGACCAC[T>C]GAGAGCAGGACCACAGAGCGGCTGTCCACCTCCAGGGCCCGGGGCCAGGGCCGCCTCTGT-3'
Protein context (NP_079455.3, residues 12-32): EVDSRSVVLL[Ser22=]VVWVLLAPPA

ClinVar aggregate classification (germline): Likely benign (0 of 4 stars; one submission).

Conditions:
PLXNA2-related disorder. Also called: PLXNA2-related condition.

Submission:

PreventionGenetics, part of Exact Sciences
Classification: Likely benign for PLXNA2-related condition. Last evaluated: 2021-12-02. Review status: no assertion criteria provided. Collection method: clinical testing. Allele origin: germline.
Comment: This variant is classified as likely benign based on ACMG/AMP sequence variant interpretation guidelines (Richards et al. 2015 PMID: 25741868, with internal and published modifications).